The following is an entry in ClinVar:

NM_001378778.1(MPDZ):c.5176A>G (p.Ile1726Val)

Gene: MPDZ (multiple PDZ domain crumbs cell polarity complex component; minus strand). Cytogenetic location: 9p23.
Variant type: single nucleotide variant.
Coding change: c.5176A>G on transcript NM_001378778.1 (MANE Select); coding-DNA position 5176, A replaced by G.
Protein change: p.Ile1726Val; replaces isoleucine 1726 with valine.
Molecular consequence: missense variant.
Genome position (GRCh38, 1-based): chr9:13,121,794, T>C on the plus strand (A>G on the coding strand, the complement: MPDZ is on the minus strand). VCF-style: chr9-13121794-T-C. GRCh37 (hg19) VCF-style: chr9-13121793-T-C.
Other names: c.5077A>G, p.Ile1693Val (NM_001261406.2, NM_001261407.2, NM_001375416.1 and 3 more transcripts); c.5176A>G, p.Ile1726Val (NM_001330637.2, NM_003829.5); c.5275A>G, p.Ile1759Val (NM_001375413.1); c.4966A>G, p.Ile1656Val (NM_001375420.1, NM_001375421.1, NM_001375422.1 and 4 more transcripts); c.4768A>G, p.Ile1590Val (NM_001375427.1); short protein forms I1726V, I1590V, I1656V, I1693V, I1759V.
Identifiers: ClinVar variation 1450531 (VCV001450531.7), dbSNP rs766333079, ClinGen allele CA4986410.
Genomic context (GRCh38, chr9:13,121,794, plus strand): 5'-CACACCTTTTACCAACAATACTTAATCCTAGGCCTTTTCCCGGCTTCTTCTGCAGCTCAA[T>C]AGTGAGGGTGTCACACACTTCCTCCTCTTTGTATGGGGCCTCATCTCTGTAGAGTGTCAG-3'
Protein context (NP_001365707.1, residues 1716-1736): KEEEVCDTLT[Ile1726Val]ELQKKPGKGL

ClinVar aggregate classification (germline): Uncertain significance (1 of 4 stars; one submission).

Allele frequency attached by ClinVar (database versions not stated): TOPMed below 0.00001; gnomAD exomes 0.00001 and 0.00002; ExAC 0.00002.
gnomAD v4.1: 7 of 1,613,962 alleles (0.00043%); highest among the groups gnomAD compares: South Asian, 0.0044%; no homozygotes.

Submission:

Labcorp Genetics (formerly Invitae), Labcorp
Classification: Uncertain significance. Last evaluated: 2022-11-22. Review status: criteria provided, single submitter. Criteria: Invitae Variant Classification Sherloc (09022015). Collection method: clinical testing. Allele origin: germline.
Comment: In summary, the available evidence is currently insufficient to determine the role of this variant in disease. Therefore, it has been classified as a Variant of Uncertain Significance. Algorithms developed to predict the effect of missense changes on protein structure and function output the following: SIFT: "Tolerated"; PolyPhen-2: "Benign"; Align-GVGD: "Class C0". The valine amino acid residue is found in multiple mammalian species, which suggests that this missense change does not adversely affect protein function. ClinVar contains an entry for this variant (Variation ID: 1450531). This variant has not been reported in the literature in individuals affected with MPDZ-related conditions. This variant is present in population databases (rs766333079, gnomAD 0.003%). This sequence change replaces isoleucine, which is neutral and non-polar, with valine, which is neutral and non-polar, at codon 1726 of the MPDZ protein (p.Ile1726Val).